The following is an entry in ClinVar:

ClinVar aggregate classification (germline): Conflicting classifications of pathogenicity. Review status: criteria provided, conflicting classifications (1 of 4 stars). 16 submissions from 16 submitters: Uncertain significance (12); Likely benign (3). 1 of the submissions does not count toward it. Last evaluated 2026-01-26.

Conditions:
Familial ovarian cancer. Identifiers: MedGen C5679802, MONDO:0016248.
Hereditary cancer. Identifiers: MedGen C1333600.
BRIP1-related disorder. Also called: BRIP1-related condition; BRIP1-related disorders. Identifiers: MedGen CN239206.
Hereditary cancer-predisposing syndrome. Also called: Hereditary neoplastic syndrome; Neoplastic Syndromes, Hereditary; Tumor predisposition; Hereditary Cancer Syndrome. Identifiers: Orphanet 140162, MedGen C0027672, MeSH D009386, MONDO:0015356.
Fanconi anemia complementation group J. Also called: BRIP1-Related Fanconi Anemia. Identifiers: Orphanet 84, MedGen C1836860, MONDO:0012187, OMIM 609054.
Familial cancer of breast. Also called: hereditary breast carcinoma; BREAST CANCER, FAMILIAL; Hereditary breast cancer. Identifiers: Orphanet 227535, MedGen C0346153, MONDO:0016419, OMIM 114480. Disease mechanism: loss of function.

Allele frequency attached by ClinVar (database versions not stated): TOPMed below 0.00001; gnomAD exomes 0.00003 and 0.00004; ExAC 0.00004.
gnomAD v4.1: 60 of 1,612,160 alleles (0.0037%); highest among the groups gnomAD compares: Non-Finnish European, 0.0051%; no homozygotes.

Submissions (16):

Labcorp Genetics (formerly Invitae), Labcorp
Classification: Uncertain significance for Familial cancer of breast; Fanconi anemia complementation group J. Last evaluated: 2026-01-26. Review status: criteria provided, single submitter. Criteria: Invitae Variant Classification Sherloc (09022015). Collection method: clinical testing. Allele origin: germline.
Comment: This sequence change replaces isoleucine, which is neutral and non-polar, with threonine, which is neutral and polar, at codon 243 of the BRIP1 protein (p.Ile243Thr). This variant is present in population databases (rs587781860, gnomAD 0.007%). This missense change has been observed in individual(s) with breast cancer or colorectal cancer (PMID: 26976419, 28135145, 35264596, 38773787). ClinVar contains an entry for this variant (Variation ID: 141590). Invitae Evidence Modeling of protein sequence and biophysical properties (such as structural, functional, and spatial information, amino acid conservation, physicochemical variation, residue mobility, and thermodynamic stability) indicates that this missense variant is not expected to disrupt BRIP1 protein function with a negative predictive value of 95%. In summary, the available evidence is currently insufficient to determine the role of this variant in disease. Therefore, it has been classified as a Variant of Uncertain Significance.

PreventionGenetics, part of Exact Sciences
Classification: Uncertain significance for BRIP1-related condition. Last evaluated: 2025-07-25. Review status: criteria provided, single submitter. Criteria: ACMG Guidelines, 2015. Collection method: clinical testing. Allele origin: germline.
Comment: The BRIP1 c.728T>C variant is predicted to result in the amino acid substitution p.Ile243Thr. This variant has been reported in individuals with colorectal, breast, and ovarian cancer (Table A4, Yurgelun et al. 2017. PubMed ID: 28135145; Table S3, Guindalini et al. 2022. PubMed ID: 35264596; Table S4, Ramus et al. 2015. PubMed ID: 26315354). This variant is reported in 0.0070% of alleles in individuals of European (non-Finnish) descent in gnomAD, and has conflicting interpretations regarding its pathogenicity in ClinVar, ranging from likely benign to uncertain (Variation ID: 141590). At this time, the clinical significance of this variant is uncertain due to the absence of conclusive functional and genetic evidence.

Women's Health and Genetics/Laboratory Corporation of America, LabCorp
Classification: Uncertain significance. Last evaluated: 2025-06-02. Review status: criteria provided, single submitter. Criteria: LabCorp Variant Classification Summary - May 2015. Collection method: clinical testing. Allele origin: germline.
Comment: Variant summary: BRIP1 c.728T>C (p.Ile243Thr) results in a non-conservative amino acid change in the encoded protein sequence. Algorithms developed to predict the effect of missense changes on protein structure and function are either unavailable or do not agree on the potential impact of this missense change. The variant allele was found at a frequency of 3.2e-05 in 251174 control chromosomes. The available data on variant occurrences in the general population are insufficient to allow any conclusion about variant significance. c.728T>C has been observed in individual(s) affected with cancers such as breast cancer and colorectal cancer without strong evidence for causality (Yurgelun_2017. Guindalini_2022, Tung_2016, Eid_2024). These report(s) do not provide unequivocal conclusions about association of the variant with Hereditary Breast And Ovarian Cancer Syndrome. To our knowledge, no experimental evidence demonstrating an impact on protein function has been reported. The following publications have been ascertained in the context of this evaluation (PMID: 28135145, 35264596, 26976419, 38773787). ClinVar contains an entry for this variant (Variation ID: 141590). Based on the evidence outlined above, the variant was classified as uncertain significance.

Center for Genomic Medicine, Rigshospitalet, Copenhagen University Hospital
Classification: Uncertain significance. Last evaluated: 2025-03-04. Review status: criteria provided, single submitter. Criteria: ACMG Guidelines, 2015. Collection method: clinical testing. Allele origin: germline.

Blueprint Genetics
Classification: Uncertain significance. Last evaluated: 2024-11-21. Review status: criteria provided, single submitter. Criteria: ACMG Guidelines, 2015. Collection method: clinical testing. Allele origin: germline.

Hema, HEMA – Genetic and Molecular Diagnostic Laboratory
Classification: Uncertain significance for Familial ovarian cancer. Last evaluated: 2024-10-03. Review status: criteria provided, single submitter. Criteria: HEMA Variant Classification Assertion Criteria. Collection method: clinical testing. Allele origin: germline.
Comment: The c.728T>C (p.Ile243Thr) variant is a transition from adenine to guanine, resulting in the substitution of isoleucine 243 with threonine in the BRIP1 protein. PM2_Supporting: Present at very low frequency in gnomAD. BP4_Moderate: The computational metapredictor REVEL score = 0.078 ≤ 0.183, indicating that the variant is not likely to have an effect on the BRIP1 protein.

Color Diagnostics, LLC DBA Color Health
Classification: Likely benign for Hereditary cancer-predisposing syndrome. Last evaluated: 2024-09-19. Review status: criteria provided, single submitter. Criteria: ACMG Guidelines, 2015. Collection method: clinical testing. Allele origin: germline.

Ambry Genetics
Classification: Likely benign for Hereditary cancer-predisposing syndrome. Last evaluated: 2024-07-24. Review status: criteria provided, single submitter. Criteria: Ambry Variant Classification Scheme 2023. Collection method: clinical testing. Allele origin: germline.

Fulgent Genetics
Classification: Uncertain significance for Familial cancer of breast; Fanconi anemia complementation group J. Last evaluated: 2024-03-14. Review status: criteria provided, single submitter. Criteria: ACMG Guidelines, 2015. Collection method: clinical testing. Allele origin: germline.

Baylor Genetics
Classification: Uncertain significance for Familial cancer of breast. Last evaluated: 2024-03-09. Review status: criteria provided, single submitter. Criteria: ACMG Guidelines, 2015. Collection method: clinical testing. Allele origin: unknown.

Mendelics
Classification: Likely benign for Hereditary cancer. Last evaluated: 2024-01-23. Review status: criteria provided, single submitter. Criteria: ACMG Guidelines, 2015. Collection method: clinical testing. Allele origin: unknown.

GeneDx
Classification: Uncertain significance. Last evaluated: 2023-05-25. Review status: criteria provided, single submitter. Criteria: GeneDx Variant Classification Process June 2021. Collection method: clinical testing. Allele origin: germline. Affected: yes.
Comment: In silico analysis supports that this missense variant does not alter protein structure/function; This variant is associated with the following publications: (PMID: 25980754, 26315354, 26976419, 28135145, 32885271, 35264596, 30333958)

MGZ Medical Genetics Center
Classification: Uncertain significance for Familial cancer of breast. Last evaluated: 2022-04-25. Review status: criteria provided, single submitter. Criteria: ACMG Guidelines, 2015. Collection method: clinical testing. Allele origin: germline. Affected: yes. Observed: 1 variant allele.
Comment: ACMG criteria applied: PM2_SUP, BP4

Quest Diagnostics Nichols Institute San Juan Capistrano
Classification: Uncertain significance. Last evaluated: 2018-08-23. Review status: criteria provided, single submitter. Criteria: Quest Diagnostics criteria. Collection method: clinical testing. Allele origin: germline.

Centre for Mendelian Genomics, University Medical Centre Ljubljana
Classification: Uncertain significance for Fanconi anemia complementation group J. Last evaluated: 2016-01-01. Review status: criteria provided, single submitter. Criteria: ACMG Guidelines, 2015. Collection method: clinical testing. Allele origin: unknown. Affected: yes.
Comment: This variant was classified as: Uncertain significance.

Department of Pathology and Laboratory Medicine, Sinai Health System
Classification: Uncertain significance. Review status: no assertion criteria provided. Collection method: clinical testing. Allele origin: unknown. Affected: yes. Study: The Canadian Open Genetics Repository (COGR). Not counted in ClinVar's aggregate classification.
Comment: The BRIP1 p.Ile243Thr variant was identified in 2 of 9968 proband chromosomes (frequency: 0.002) from individuals or families with breast cancer (Tung 2016), in 1 of 2520 proband chromosomes (frequency: 0.0004) from individuals or families with with suspected Lynch syndrome (Yurgelun 2015), and in 1 of 6862 control chromosomes (frequency: 0.0002) from healthy control individuals in an ovarian cancer study (Ramus 2015). The variant was also identified in dbSNP (ID: rs587781860) as â€šÃ„ÃºWith Uncertain significance alleleâ€šÃ„Ã¹ and ClinVar (as uncertain significance by Ambry Genetics, Invitae, GeneDx, Mendelics, and Quest Diagnostics). The variant was identified in control databases in 8 of 245908 chromosomes at a frequency of 0.00003 (Genome Aggregation Database Feb 27, 2017). The variant was observed in the European Non-Finnish population in 8 of 111406 chromosomes (freq: 0.00007), while the variant was not observed in the African, Other, Latino, Ashkenazi Jewish, East Asian, European Finnish, or South Asian populations. The p.Ile243 residue is not conserved in mammals and computational analyses (PolyPhen-2, SIFT, AlignGVGD, BLOSUM, MutationTaster) provide inconsistent predictions regarding the impact to the protein; this information is not very predictive of pathogenicity. The variant occurs outside of the splicing consensus sequence and in silico or computational prediction software programs (SpliceSiteFinder, MaxEntScan, NNSPLICE, GeneSplicer) do not predict a difference in splicing. In summary, based on the above information, the clinical significance of this variant cannot be determined with certainty at this time. This variant is classified as a variant of uncertain significance.

Literature cited by the submitters: PubMed 26976419 (cited by 4 submitters); PubMed 28135145 (cited by 4 submitters); PubMed 35264596 (cited by Labcorp Genetics (formerly Invitae), Labcorp and Women's Health and Genetics/Laboratory Corporation of America, LabCorp); PubMed 38773787 (cited by Labcorp Genetics (formerly Invitae), Labcorp and Women's Health and Genetics/Laboratory Corporation of America, LabCorp); PubMed 26315354 (cited by Ambry Genetics); PubMed 30333958 (cited by Ambry Genetics); PubMed 32885271 (cited by Ambry Genetics).

NM_032043.3(BRIP1):c.728T>C (p.Ile243Thr)

Gene: BRIP1 (BRCA1 interacting DNA helicase 1; minus strand). Cytogenetic location: 17q23.2.
Variant type: single nucleotide variant.
Coding change: c.728T>C on transcript NM_032043.3 (MANE Select); coding-DNA position 728, T replaced by C.
Protein change: p.Ile243Thr; replaces isoleucine 243 with threonine.
Molecular consequence: missense variant.
Genome position (GRCh38, 1-based): chr17:61,808,657, A>G on the plus strand (T>C on the coding strand, the complement: BRIP1 is on the minus strand). VCF-style: chr17-61808657-A-G. GRCh37 (hg19) VCF-style: chr17-59886018-A-G.
Other names: short protein forms I243T.
Identifiers: ClinVar variation 141590 (VCV000141590.43), dbSNP rs587781860, ClinGen allele CA165876.